The following is an entry in ClinVar:

ClinVar aggregate classification (germline): Conflicting classifications of pathogenicity. Review status: criteria provided, conflicting classifications (1 of 4 stars). 2 submissions from 2 submitters: Uncertain significance (1); Likely benign (1). Last evaluated 2025-09-25.

Conditions:
Inborn genetic diseases. Identifiers: MedGen C0950123, MeSH D030342.

Allele frequency attached by ClinVar (database versions not stated): gnomAD exomes 0.00001; ExAC 0.00004; gnomAD 0.00009; TOPMed 0.00010; ESP Exome Variant Server 0.00031.
gnomAD v4.1: 23 of 1,612,842 alleles (0.0014%); highest among the groups gnomAD compares: African/African-American, 0.021%; no homozygotes.

Submissions (2):

Ambry Genetics
Classification: Uncertain significance for Inborn genetic diseases. Last evaluated: 2025-09-25. Review status: criteria provided, single submitter. Criteria: Ambry Variant Classification Scheme 2023. Collection method: clinical testing. Allele origin: germline.

CeGaT Center for Human Genetics Tuebingen
Classification: Likely benign. Last evaluated: 2022-09-01. Review status: criteria provided, single submitter. Criteria: CeGaT Center For Human Genetics Tuebingen Variant Classification Criteria Version 2. Collection method: clinical testing. Allele origin: germline. Affected: yes. Observed: 1 variant allele.
Comment: GIT1: BP4

NM_014030.4(GIT1):c.1415G>A (p.Arg472Gln)

Genes: GIT1 (GIT ArfGAP 1; minus strand), TP53I13 (tumor protein p53 inducible protein 13; plus strand). Cytogenetic location: 17q11.2.
Variant type: single nucleotide variant.
Coding change: c.1415G>A on transcript NM_014030.4 (MANE Select); coding-DNA position 1415, G replaced by A.
Protein change: p.Arg472Gln; replaces arginine 472 with glutamine.
Molecular consequence: missense variant.
Genome position (GRCh38, 1-based): chr17:29,576,416, C>T on the plus strand (G>A on the coding strand, the complement: GIT1 is on the minus strand). VCF-style: chr17-29576416-C-T. GRCh37 (hg19) VCF-style: chr17-27903434-C-T.
Other names: c.1442G>A, p.Arg481Gln (NM_001085454.2); c.1442G>A (NM_001085454.1); short protein forms R472Q, R481Q.
Identifiers: ClinVar variation 2647616 (VCV002647616.24), dbSNP rs150427746, ClinGen allele CA8476045.